The following is an entry in ClinVar:

NM_000038.6(APC):c.423-18_423-17insA

Gene: APC (APC regulator of WNT signaling pathway; plus strand). Cytogenetic location: 5q22.2.
Variant type: Insertion.
Coding change: c.423-18_423-17insA on transcript NM_000038.6 (MANE Select); 18 bases into the intron before coding-DNA position 423 through 17 bases into the intron before coding-DNA position 423, A inserted.
Molecular consequence: intron variant.
Genome position: GRCh38 VCF-style: chr5-112775611-T-TA. GRCh37 (hg19) VCF-style: chr5-112111308-T-TA.
Other names: c.-613-18_-613-17insA (NM_001407470.1, NM_001407472.1, NM_001354906.2 and 1 more transcripts); c.423-18_423-17insA (NM_001407447.1, NM_001354895.2, NM_001407456.1 and 16 more transcripts); c.453-18_453-17insA (NM_001407446.1, NM_001354897.2, NM_001354902.2 and 1 more transcripts); c.246-18_246-17insA (NM_001407453.1, NM_001354900.2, NM_001354901.2 and 1 more transcripts); c.348-18_348-17insA (NM_001407451.1, NM_001354898.2, NM_001354904.2).
Identifiers: ClinVar variation 3030661 (VCV003030661.2), dbSNP rs1757538869, ClinGen allele CA1573465426.

ClinVar aggregate classification (germline): Likely benign (0 of 4 stars; one submission).

Conditions:
APC-related disorder. Also called: APC-related condition.

Submission:

PreventionGenetics, part of Exact Sciences
Classification: Likely benign for APC-related condition. Last evaluated: 2020-12-18. Review status: no assertion criteria provided. Collection method: clinical testing. Allele origin: germline.
Comment: This variant is classified as likely benign based on ACMG/AMP sequence variant interpretation guidelines (Richards et al. 2015 PMID: 25741868, with internal and published modifications).